The following is an entry in ClinVar:

ClinVar aggregate classification (germline): Conflicting classifications of pathogenicity. Review status: criteria provided, conflicting classifications (1 of 4 stars). 8 submissions from 8 submitters: Uncertain significance (1); Benign (1); Likely benign (4). 2 of the submissions do not count toward it. Last evaluated 2026-02-03.

Conditions:
SBF1-related disorder. Also called: SBF1-related condition.
Charcot-Marie-Tooth disease type 4B3. Also called: CHARCOT-MARIE-TOOTH DISEASE, DEMYELINATING, TYPE 4B3; Charcot-Marie-Tooth Neuropathy Type 4B3. Identifiers: Orphanet 363981, MedGen C3695063, MONDO:0014117, OMIM 615284.
Tip-toe gait. Also called: Toe walking. Identifiers: MedGen C0427144, HP:0030051.

Allele frequency attached by ClinVar (database versions not stated): 1000 Genomes Project 30x 0.00047; 1000 Genomes Project 0.00060; TOPMed 0.00162; ESP Exome Variant Server 0.00168; gnomAD exomes 0.00202; ExAC 0.00217; gnomAD 0.00224 and 0.00229.
gnomAD v4.1: 3,820 of 1,602,490 alleles (0.24%); highest among the groups gnomAD compares: Non-Finnish European, 0.28%; 8 homozygotes.

Submissions (8):

Labcorp Genetics (formerly Invitae), Labcorp
Classification: Likely benign. Last evaluated: 2026-02-03. Review status: criteria provided, single submitter. Criteria: Invitae Variant Classification Sherloc (09022015). Collection method: clinical testing. Allele origin: germline.

Women's Health and Genetics/Laboratory Corporation of America, LabCorp
Classification: Likely benign. Last evaluated: 2025-10-22. Review status: criteria provided, single submitter. Criteria: LabCorp Variant Classification Summary - May 2015. Collection method: clinical testing. Allele origin: germline.
Comment: Variant summary: SBF1 c.4927C>A (p.Pro1643Thr) results in a non-conservative amino acid change in the encoded protein sequence. Algorithms developed to predict the effect of missense changes on protein structure and function are either unavailable or do not agree on the potential impact of this missense change. The variant allele was found at a frequency of 0.002 in 238250 control chromosomes, predominantly at a frequency of 0.0031 within the Non-Finnish European subpopulation in the gnomAD database, including 1 homozygote. The observed variant frequency within Non-Finnish European control individuals in the gnomAD database exceeds the estimated maximal expected allele frequency for disease-causing variants in SBF1. To our knowledge, no occurrence of c.4927C>A in individuals affected with SBF1-related conditions and no experimental evidence demonstrating its impact on protein function have been reported. ClinVar contains an entry for this variant (Variation ID: 781921). Based on the evidence outlined above, the variant was classified as likely benign.

Mayo Clinic Laboratories, Mayo Clinic
Classification: Benign. Last evaluated: 2025-05-27. Review status: criteria provided, single submitter. Criteria: ACMG Guidelines, 2015. Collection method: clinical testing. Allele origin: germline. Observed: 10 variant alleles.
Comment: BS1, BS2, BP4

Blueprint Genetics
Classification: Likely benign. Last evaluated: 2024-11-23. Review status: criteria provided, single submitter. Criteria: ACMG Guidelines, 2015. Collection method: clinical testing. Allele origin: germline.

ARUP Laboratories, Molecular Genetics and Genomics, ARUP Laboratories
Classification: Likely benign for Charcot-Marie-Tooth disease type 4B3. Last evaluated: 2024-04-16. Review status: criteria provided, single submitter. Criteria: ARUP Molecular Germline Variant Investigation Process 2024. Collection method: clinical testing. Allele origin: germline.

CeGaT Center for Human Genetics Tuebingen
Classification: Uncertain significance. Last evaluated: 2017-07-01. Review status: criteria provided, single submitter. Criteria: CeGaT Center For Human Genetics Tuebingen Variant Classification Criteria Version 2. Collection method: clinical testing. Allele origin: germline. Affected: yes. Observed: 2 variant alleles.

PreventionGenetics, part of Exact Sciences
Classification: Likely benign for SBF1-related condition. Last evaluated: 2019-06-19. Review status: no assertion criteria provided. Collection method: clinical testing. Allele origin: germline. Not counted in ClinVar's aggregate classification.
Comment: This variant is classified as likely benign based on ACMG/AMP sequence variant interpretation guidelines (Richards et al. 2015 PMID: 25741868, with internal and published modifications).

Practice for Gait Abnormalities, David Pomarino, Competency Network Toe Walking C/o Practice Pomarino
Classification: Likely pathogenic for Tip-toe gait. Review status: no assertion criteria provided. Collection method: clinical testing. Allele origin: germline. Affected: yes. Not counted in ClinVar's aggregate classification.
Comment: Hereditary motor sensory neuropathy (HMSN), also known as Charcot-Marie-Tooth Disease (CMT), is the most commonly inherited peripheral polyneuropathy. It constitutes a group of inherited, progressive, motor and sensory peripheral nerve disorders with properties of demyelination, axonal degeneration, or both. It is classified by clinical characteristics, modes of inheritance, electrophysiologic features, metabolic defects, and specific gene markers. Our patients all walk on tiptoe, so they show similar symptoms. When we genetically test them with our toe walking panel, we find that around 90 per cent of them have a genetic variant that explains their toe walking. These can be assigned, for example, to the area of myopathies (such as variants of the COL6A3 gene), the area of hereditary neuropathies (such as variants of the KMT2C gene) or the area of metabolic diseases (such as variants of the PYGM gene). In a smaller group of patients with almost identical symptoms, no abnormality is found in the genes of our panel, but spastic paraplegia can be detected. In another small group of our toe walkers, no abnormalities can be detected in the genes analysed in our toe walking panel, nor do they suffer from spastic paraplegia, as is also the case with healthy children. In contrast to these, however, they show a tiptoe gait. These patients suffer from infantile cerebral palsy, in which toe walking can also be observed.

Literature cited by the submitters: PubMed 37091313 (cited by Practice for Gait Abnormalities, David Pomarino, Competency Network Toe Walking C/o Practice Pomarino).

NM_002972.4(SBF1):c.4927C>A (p.Pro1643Thr)

Gene: SBF1 (SET binding factor 1; minus strand). Cytogenetic location: 22q13.33.
Variant type: single nucleotide variant.
Coding change: c.4927C>A on transcript NM_002972.4 (MANE Select); coding-DNA position 4927, C replaced by A.
Protein change: p.Pro1643Thr; replaces proline 1643 with threonine.
Molecular consequence: missense variant.
Genome position (GRCh38, 1-based): chr22:50,454,628, G>T on the plus strand (C>A on the coding strand, the complement: SBF1 is on the minus strand). VCF-style: chr22-50454628-G-T. GRCh37 (hg19) VCF-style: chr22-50893057-G-T.
Other names: p.Pro1643Thr; c.4852C>A, p.Pro1618Thr (NM_001365819.1); short protein forms P1618T, P1643T.
Identifiers: ClinVar variation 781921 (VCV000781921.62), dbSNP rs202049257, ClinGen allele CA10316077.